The following is an entry in ClinVar:

NM_000540.3(RYR1):c.2075C>A (p.Thr692Asn)

Gene: RYR1 (ryanodine receptor 1; plus strand). Cytogenetic location: 19q13.2.
Variant type: single nucleotide variant.
Coding change: c.2075C>A on transcript NM_000540.3 (MANE Select); coding-DNA position 2075, C replaced by A.
Protein change: p.Thr692Asn; replaces threonine 692 with asparagine.
Molecular consequence: missense variant.
Genome position (GRCh38, 1-based): chr19:38,458,200, C>A. VCF-style: chr19-38458200-C-A. GRCh37 (hg19) VCF-style: chr19-38948840-C-A.
Other names: c.2075C>A, p.Thr692Asn (NM_001042723.2); short protein forms T692N.
Identifiers: ClinVar variation 3072727 (VCV003072727.1), dbSNP rs869312735, ClinGen allele CA405696969.

ClinVar aggregate classification (germline): Uncertain significance (1 of 4 stars; one submission).

Conditions:
Malignant hyperthermia, susceptibility to, 1 (MHS1). Also called: Anesthesia related hyperthermia; Malignant hyperpyrexia; Fulminating hyperpyrexia; Pharmacogenic myopathy; RYR1-Related Malignant Hyperthermia Susceptibility; Malignant hyperthermia suceptibility 1. Identifiers: Orphanet 423, MedGen C2930980, MONDO:0007783, OMIM 145600.

gnomAD v4.1: 2 of 1,613,938 alleles (0.00012%); highest among the groups gnomAD compares: Non-Finnish European, 0.00017%; no homozygotes.

Submission:

All of Us Research Program, National Institutes of Health
Classification: Uncertain significance for Malignant hyperthermia, susceptibility to, 1. Last evaluated: 2023-08-15. Review status: criteria provided, single submitter. Criteria: ACMG Guidelines, 2015. Collection method: clinical testing. Allele origin: germline. Inheritance: Autosomal dominant inheritance. Observed: 1 variant allele, 1 heterozygote.
Comment: This missense variant replaces threonine with asparagine at codon 692 of the RYR1 protein. Computational prediction suggests that this variant may not impact protein structure and function (internally defined REVEL score threshold <= 0.5, PMID: 27666373). To our knowledge, functional studies have not been reported for this variant. This variant has not been reported in individuals affected with RYR1-related disorders in the literature. This variant has not been identified in the general population by the Genome Aggregation Database (gnomAD). The available evidence is insufficient to determine the role of this variant in disease conclusively. Therefore, this variant is classified as a Variant of Uncertain Significance.

This study involves interpretation of variants in research participants for the purpose of population health screening. Participant phenotype was not available at the time of variant classification. Additional details can be found in publication PMID: 35346344, PMCID: PMC8962531